The following is an entry in ClinVar:

NM_015346.4(ZFYVE26):c.2550dup (p.Gln851fs)

Gene: ZFYVE26 (zinc finger FYVE-type containing 26; minus strand). Cytogenetic location: 14q24.1.
Variant type: Duplication.
Coding change: c.2550dup on transcript NM_015346.4 (MANE Select); coding-DNA position 2550, one base duplicated (T; older notation c.2550dupT).
Protein change: p.Gln851fs; shifts the reading frame from glutamine 851.
Molecular consequence: frameshift variant.
Genome position (GRCh38, 1-based): chr14:67,793,611, A duplicated on the plus strand (T on the coding strand, the reverse complement: ZFYVE26 is on the minus strand). VCF-style (leftmost placement, unchanged base first): chr14-67793610-G-GA. GRCh37 (hg19) VCF-style: chr14-68260327-G-GA.
Other names: short protein forms Q851fs.
Identifiers: ClinVar variation 5015834 (VCV005015834.1).

ClinVar aggregate classification (germline): Pathogenic (1 of 4 stars; one submission).

Conditions:
Hereditary spastic paraplegia 15 (SPG15). Also called: SPASTIC PARAPLEGIA 15, AUTOSOMAL RECESSIVE; KJELLIN SYNDROME; SPASTIC PARAPLEGIA AND RETINAL DEGENERATION. Identifiers: Orphanet 100996, MedGen C1849128, MONDO:0010044, OMIM 270700.

Submission:

Myriad Genetics, Inc.
Classification: Pathogenic for Hereditary spastic paraplegia 15. Last evaluated: 2026-04-26. Review status: criteria provided, single submitter. Criteria: Myriad Autosomal Dominant, Autosomal Recessive and X-Linked Classification Criteria (2023). Collection method: clinical testing. Allele origin: unknown.
Comment: NM_015346.3(ZFYVE26):c.2550dupT(Q851Sfs*38) is expected to be pathogenic in the context of spastic paraplegia type 15. This variant is predicted to lead to an abnormal or absent protein product due to the creation of a premature termination codon in ZFYVE26, a gene where loss-of-function variants are known to be pathogenic. Please note: this variant was assessed in the context of healthy population screening.